The following is an entry in ClinVar:

NM_001267550.2(TTN):c.15185G>T (p.Ser5062Ile)

Gene: TTN (titin; minus strand). Cytogenetic location: 2q31.2.
Variant type: single nucleotide variant.
Coding change: c.15185G>T on transcript NM_001267550.2 (MANE Select); coding-DNA position 15185, G replaced by T.
Protein change: p.Ser5062Ile; replaces serine 5062 with isoleucine.
Molecular consequence: missense variant. On other transcripts: intron variant (3).
Genome position (GRCh38, 1-based): chr2:178,734,739, C>A on the plus strand (G>T on the coding strand, the complement: TTN is on the minus strand). VCF-style: chr2-178734739-C-A. GRCh37 (hg19) VCF-style: chr2-179599466-C-A.
Other names: c.14234G>T, p.Ser4745Ile (NM_001256850.1); c.13282+3343G>T (NM_003319.4); c.13858+3343G>T (NM_133437.4); c.13657+3343G>T (NM_133432.3); c.11453G>T, p.Ser3818Ile (NM_133378.4); c.15185G>T (NM_001267550.1); short protein forms S5062I, S4745I.
Identifiers: ClinVar variation 96268 (VCV000096268.10), dbSNP rs371687650, ClinGen allele CA223883.

ClinVar aggregate classification (germline): Uncertain significance. Review status: criteria provided, multiple submitters, no conflicts (2 of 4 stars). 4 submissions from 4 submitters: Uncertain significance (4). Last evaluated 2026-05-08.

Conditions:
TTN-related disorder. Also called: TTN-related disorders; TTN-related condition; TTN-related disease.

Allele frequency attached by ClinVar (database versions not stated): TOPMed 0.00004.

Submissions (4):

PreventionGenetics, part of Exact Sciences
Classification: Uncertain significance for TTN-related condition. Last evaluated: 2026-05-08. Review status: criteria provided, single submitter. Criteria: ACMG Guidelines, 2015. Collection method: clinical testing. Allele origin: germline.
Comment: The TTN c.15185G>T variant is predicted to result in the amino acid substitution p.Ser5062Ile. To our knowledge, this variant has not been reported in the literature. This variant is reported in 0.0065% of alleles in individuals of African descent in gnomAD. At this time, the clinical significance of this variant is uncertain due to the absence of conclusive functional and genetic evidence.

GeneDx
Classification: Uncertain significance. Last evaluated: 2025-07-09. Review status: criteria provided, single submitter. Criteria: GeneDx Variant Classification Process June 2021. Collection method: clinical testing. Allele origin: germline. Affected: yes.
Comment: Not observed at significant frequency in large population cohorts (gnomAD); Missense variant in a gene in which most reported pathogenic variants are truncating/loss of function; Has not been previously published as pathogenic or benign to our knowledge

Revvity Omics, Revvity
Classification: Uncertain significance. Last evaluated: 2020-09-30. Review status: criteria provided, single submitter. Criteria: ACMG Guidelines, 2015. Collection method: clinical testing. Allele origin: germline.

Eurofins Ntd Llc (ga)
Classification: Uncertain significance. Last evaluated: 2013-03-12. Review status: criteria provided, single submitter. Criteria: EGL Classification Definitions 2015. Collection method: clinical testing. Allele origin: germline. Observed: 1 variant allele, 1 heterozygote.